The following is an entry in ClinVar:

ClinVar aggregate classification (germline): Likely benign (1 of 4 stars; one submission).

Allele frequency attached by ClinVar (database versions not stated): 1000 Genomes Project 30x 0.00219; 1000 Genomes Project 0.00240; gnomAD 0.00404; TOPMed 0.00456.
gnomAD v4.1: 680 of 151,278 alleles (0.45%); highest among the groups gnomAD compares: Non-Finnish European, 0.72%; 7 homozygotes.

Submission:

CeGaT Center for Human Genetics Tuebingen
Classification: Likely benign. Last evaluated: 2026-08-01. Review status: criteria provided, single submitter. Criteria: CeGaT Center For Human Genetics Tuebingen Variant Classification Criteria Version 2. Collection method: clinical testing. Allele origin: germline. Affected: yes. Observed: 10 variant alleles.
Comment: VPS53: BS2

NM_001128159.3(VPS53):c.285+11424C>T

Gene: VPS53 (VPS53 subunit of GARP complex; minus strand). Cytogenetic location: 17p13.3.
Variant type: single nucleotide variant.
Coding change: c.285+11424C>T on transcript NM_001128159.3 (MANE Select); 11424 bases into the intron after coding-DNA position 285, C replaced by T.
Molecular consequence: intron variant.
Genome position (GRCh38, 1-based): chr17:685,994, G>A on the plus strand (C>T on the coding strand, the complement: VPS53 is on the minus strand). VCF-style: chr17-685994-G-A. GRCh37 (hg19) VCF-style: chr17-589234-G-A.
Other names: c.285+11424C>T (NM_018289.4, NM_001366253.2); c.-408+11424C>T (NM_001366254.2).
Identifiers: ClinVar variation 2647164 (VCV002647164.24), dbSNP rs188910392, ClinGen allele CA286694171.